The following is an entry in ClinVar:

ClinVar aggregate classification (germline): Uncertain significance (1 of 4 stars; one submission).

Submission:

GeneDx
Classification: Uncertain significance. Last evaluated: 2022-12-23. Review status: criteria provided, single submitter. Criteria: GeneDx Variant Classification Process June 2021. Collection method: clinical testing. Allele origin: germline. Affected: yes.
Comment: Not observed at significant frequency in large population cohorts (gnomAD); In silico analysis supports that this missense variant has a deleterious effect on protein structure/function; Has not been previously published as pathogenic or benign to our knowledge

NM_005334.3(HCFC1):c.2066C>T (p.Thr689Ile)

Gene: HCFC1 (host cell factor C1; minus strand). Cytogenetic location: Xq28.
Variant type: single nucleotide variant.
Coding change: c.2066C>T on transcript NM_005334.3 (MANE Select); coding-DNA position 2066, C replaced by T.
Protein change: p.Thr689Ile; replaces threonine 689 with isoleucine.
Molecular consequence: missense variant.
Genome position (GRCh38, 1-based): chrX:153,957,849, G>A on the plus strand (C>T on the coding strand, the complement: HCFC1 is on the minus strand). VCF-style: chrX-153957849-G-A. GRCh37 (hg19) VCF-style: chrX-153223300-G-A.
Other names: c.2066C>T, p.Thr689Ile (NM_001410705.1); short protein forms T689I.
Identifiers: ClinVar variation 2506615 (VCV002506615.1), dbSNP rs2521623201, ClinGen allele CA415133059.
Genomic context (GRCh38, chrX:153,957,849, plus strand): 5'-ATCTGAGTCACAGGACCCGTGGACGCCTGGCCTGTGACTGCTGAAGTCTGAACTGGTTTG[G>A]TCTGGACCACCGACATCACTTTGCCCAGATTGGAAATCTAAAAAGGAAGGGATGGAGCAA-3'
Protein context (NP_005325.2, residues 679-699): NLGKVMSVVQ[Thr689Ile]KPVQTSAVTG